The following is an entry in ClinVar:

NM_030787.4(CFHR5):c.829T>A (p.Tyr277Asn)

Gene: CFHR5 (complement factor H related 5; plus strand). Cytogenetic location: 1q31.3.
Variant type: single nucleotide variant.
Coding change: c.829T>A on transcript NM_030787.4 (MANE Select); coding-DNA position 829, T replaced by A.
Protein change: p.Tyr277Asn; replaces tyrosine 277 with asparagine.
Molecular consequence: missense variant.
Genome position (GRCh38, 1-based): chr1:196,996,060, T>A. VCF-style: chr1-196996060-T-A. GRCh37 (hg19) VCF-style: chr1-196965190-T-A.
Other names: short protein forms Y277N.
Identifiers: ClinVar variation 68846 (VCV000068846.1), dbSNP rs318240756, ClinGen allele CA220087.

ClinVar aggregate classification (germline): not provided (0 of 4 stars; one submission).

Allele frequency attached by ClinVar (database versions not stated): gnomAD exomes below 0.00001; gnomAD 0.00002.
gnomAD v4.1: 4 of 1,613,728 alleles (0.00025%); highest among the groups gnomAD compares: Non-Finnish European, 0.00034%; no homozygotes.

Submission:

UniProtKB/Swiss-Prot
No classification provided. Review status: no classification provided. Collection method: not provided. Allele origin: not provided.
Comment: found in patients with atypical hemolytic uremic syndrome